The following is an entry in ClinVar:

NM_019098.5(CNGB3):c.2060G>A (p.Ser687Asn)

Gene: CNGB3 (cyclic nucleotide gated channel subunit beta 3; minus strand). Cytogenetic location: 8q21.3.
Variant type: single nucleotide variant.
Coding change: c.2060G>A on transcript NM_019098.5 (MANE Select); coding-DNA position 2060, G replaced by A.
Protein change: p.Ser687Asn; replaces serine 687 with asparagine.
Molecular consequence: missense variant.
Genome position (GRCh38, 1-based): chr8:86,578,732, C>T on the plus strand (G>A on the coding strand, the complement: CNGB3 is on the minus strand). VCF-style: chr8-86578732-C-T. GRCh37 (hg19) VCF-style: chr8-87590960-C-T.
Other names: short protein forms S687N.
Identifiers: ClinVar variation 1386756 (VCV001386756.7), dbSNP rs766831491, ClinGen allele CA4799815.

ClinVar aggregate classification (germline): Uncertain significance. Review status: criteria provided, multiple submitters, no conflicts (2 of 4 stars). 2 submissions from 2 submitters: Uncertain significance (2). Last evaluated 2024-02-17.

Allele frequency attached by ClinVar (database versions not stated): gnomAD exomes below 0.00001 and 0.00001; ExAC 0.00001; TOPMed 0.00001; gnomAD 0.00002 and 0.00003.
gnomAD v4.1: 4 of 1,614,038 alleles (0.00025%); highest among the groups gnomAD compares: African/African-American, 0.004%; no homozygotes.

Submissions (2):

Labcorp Genetics (formerly Invitae), Labcorp
Classification: Uncertain significance. Last evaluated: 2024-02-17. Review status: criteria provided, single submitter. Criteria: Invitae Variant Classification Sherloc (09022015). Collection method: clinical testing. Allele origin: germline.
Comment: This sequence change replaces serine, which is neutral and polar, with asparagine, which is neutral and polar, at codon 687 of the CNGB3 protein (p.Ser687Asn). This variant is present in population databases (rs766831491, gnomAD 0.01%). This variant has not been reported in the literature in individuals affected with CNGB3-related conditions. ClinVar contains an entry for this variant (Variation ID: 1386756). Advanced modeling of protein sequence and biophysical properties (such as structural, functional, and spatial information, amino acid conservation, physicochemical variation, residue mobility, and thermodynamic stability) performed at Invitae indicates that this missense variant is not expected to disrupt CNGB3 protein function with a negative predictive value of 80%. In summary, the available evidence is currently insufficient to determine the role of this variant in disease. Therefore, it has been classified as a Variant of Uncertain Significance.

Blueprint Genetics
Classification: Uncertain significance. Last evaluated: 2019-12-11. Review status: criteria provided, single submitter. Criteria: ACMG Guidelines, 2015. Collection method: clinical testing. Allele origin: germline.